The following is an entry in ClinVar:

ClinVar aggregate classification (germline): Pathogenic. Review status: criteria provided, multiple submitters, no conflicts (2 of 4 stars). 2 submissions from 2 submitters: Pathogenic (2). Last evaluated 2025-11-26.

Conditions:
Hereditary cancer-predisposing syndrome. Also called: Hereditary Cancer Syndrome; Hereditary neoplastic syndrome; Neoplastic Syndromes, Hereditary; Tumor predisposition. Identifiers: Orphanet 140162, MedGen C0027672, MeSH D009386, MONDO:0015356.
Tumor predisposition syndrome 3 (TPDS3). Also called: Glioma susceptibility 9; Melanoma, cutaneous malignant, susceptibility to, 10; LONG TELOMERE SYNDROME, POT1-RELATED; POT1 Tumor Predisposition. Identifiers: Orphanet 618, MedGen C4014476, MONDO:0014368, OMIM 615848.

Submissions (2):

Ambry Genetics
Classification: Pathogenic for Hereditary cancer-predisposing syndrome. Last evaluated: 2025-11-26. Review status: criteria provided, single submitter. Criteria: Ambry Variant Classification Scheme 2023. Collection method: clinical testing. Allele origin: germline.
Comment: The c.224delA pathogenic mutation, located in coding exon 3 of the POT1 gene, results from a deletion of one nucleotide at nucleotide position 224, causing a translational frameshift with a predicted alternate stop codon (p.N75Mfs*10). This variant is considered to be rare based on population cohorts in the Genome Aggregation Database (gnomAD). This alteration is expected to result in loss of function by premature protein truncation or nonsense-mediated mRNA decay. As such, this alteration is interpreted as a disease-causing mutation.

Labcorp Genetics (formerly Invitae), Labcorp
Classification: Pathogenic for Tumor predisposition syndrome 3. Last evaluated: 2023-07-25. Review status: criteria provided, single submitter. Criteria: Invitae Variant Classification Sherloc (09022015). Collection method: clinical testing. Allele origin: germline.
Comment: This sequence change creates a premature translational stop signal (p.Asn75Metfs*10) in the POT1 gene. It is expected to result in an absent or disrupted protein product. Loss-of-function variants in POT1 are known to be pathogenic (PMID: 32155570). For these reasons, this variant has been classified as Pathogenic. This variant has not been reported in the literature in individuals affected with POT1-related conditions. This variant is not present in population databases (gnomAD no frequency).

Literature cited by the submitters: PubMed 32155570 (cited by Labcorp Genetics (formerly Invitae), Labcorp).

NM_015450.3(POT1):c.224del (p.Asn75fs)

Gene: POT1 (protection of telomeres 1; minus strand). Cytogenetic location: 7q31.33.
Variant type: Deletion.
Coding change: c.224del on transcript NM_015450.3 (MANE Select); coding-DNA position 224, one base deleted (A; older notation c.224delA).
Protein change: p.Asn75fs; shifts the reading frame from asparagine 75.
Molecular consequence: frameshift variant. On other transcripts: non-coding transcript variant (3), intron variant (1).
Genome position (GRCh38, 1-based): chr7:124,870,942, T deleted on the plus strand (A on the coding strand, the reverse complement: POT1 is on the minus strand); the first of 5 consecutive T bases (chr7:124,870,942-124,870,946); deleting any one gives the same sequence. VCF-style (leftmost placement, unchanged base first): chr7-124870941-AT-A. GRCh37 (hg19) VCF-style: chr7-124510995-AT-A.
Other names: c.-138-7302del (NM_001042594.2); c.224delA (NM_015450.2); short protein forms N75fs.
Identifiers: ClinVar variation 2746279 (VCV002746279.4), dbSNP rs2116567355, ClinGen allele CA2684722583.